The following is an entry in ClinVar:

ClinVar aggregate classification (germline): Benign/Likely benign. Review status: criteria provided, multiple submitters, no conflicts (2 of 4 stars). 7 submissions from 7 submitters: Benign (1); Likely benign (5). 1 of the submissions does not count toward it. Last evaluated 2026-05-19.

Conditions:
NF1-related disorder. Also called: NF1-related condition. Identifiers: MedGen CN379171.
Hereditary cancer-predisposing syndrome. Also called: Tumor predisposition; Hereditary neoplastic syndrome; Neoplastic Syndromes, Hereditary; Hereditary Cancer Syndrome. Identifiers: Orphanet 140162, MedGen C0027672, MeSH D009386, MONDO:0015356.
Neurofibromatosis, type 1 (NF1). Also called: Neurofibromatosis, type I; NEUROFIBROMATOSIS, TYPE I, SOMATIC; VON RECKLINGHAUSEN DISEASE; Peripheral type neurofibromatosis. Identifiers: Orphanet 636, MedGen C0027831, MONDO:0018975, OMIM 162200. Disease mechanism: loss of function.

Allele frequency attached by ClinVar (database versions not stated): gnomAD exomes 0.00004; gnomAD 0.00001; ExAC 0.00004.
gnomAD v4.1: 59 of 1,613,794 alleles (0.0037%); highest among the groups gnomAD compares: Non-Finnish European, 0.0046%; no homozygotes.

Submissions (7):

Myriad Genetics, Inc.
Classification: Benign for Neurofibromatosis, type 1. Last evaluated: 2026-05-19. Review status: criteria provided, single submitter. Criteria: Myriad Autosomal Dominant, Autosomal Recessive and X-Linked Classification Criteria (2023). Collection method: clinical testing. Allele origin: unknown.
Comment: This variant is considered benign. This variant is a silent/synonymous amino acid change and it is not expected to impact splicing.

Labcorp Genetics (formerly Invitae), Labcorp
Classification: Likely benign for Neurofibromatosis, type 1. Last evaluated: 2026-01-27. Review status: criteria provided, single submitter. Criteria: Invitae Variant Classification Sherloc (09022015). Collection method: clinical testing. Allele origin: germline.

Genome-Nilou Lab
Classification: Likely benign for Neurofibromatosis, type 1. Last evaluated: 2022-03-15. Review status: criteria provided, single submitter. Criteria: ACMG Guidelines, 2015. Collection method: clinical testing. Allele origin: germline. Affected: no.

Sema4
Classification: Likely benign for Hereditary cancer-predisposing syndrome. Last evaluated: 2021-08-09. Review status: criteria provided, single submitter. Criteria: Sema4 Curation Guidelines. Collection method: curation. Allele origin: germline.

GeneDx
Classification: Likely benign. Last evaluated: 2021-05-18. Review status: criteria provided, single submitter. Criteria: GeneDx Variant Classification Process June 2021. Collection method: clinical testing. Allele origin: germline. Affected: yes.

Ambry Genetics
Classification: Likely benign for Hereditary cancer-predisposing syndrome. Last evaluated: 2014-08-26. Review status: criteria provided, single submitter. Criteria: Ambry Autosomal Dominant and X-Linked criteria (10/2015). Collection method: clinical testing. Allele origin: germline. Observed: 1 variant allele.

PreventionGenetics, part of Exact Sciences
Classification: Likely benign for NF1-related condition. Last evaluated: 2019-09-13. Review status: no assertion criteria provided. Collection method: clinical testing. Allele origin: germline. Not counted in ClinVar's aggregate classification.
Comment: This variant is classified as likely benign based on ACMG/AMP sequence variant interpretation guidelines (Richards et al. 2015 PMID: 25741868, with internal and published modifications).

NM_001042492.3(NF1):c.4230C>T (p.Phe1410=)

Gene: NF1 (neurofibromin 1; plus strand). Cytogenetic location: 17q11.2.
Variant type: single nucleotide variant.
Coding change: c.4230C>T on transcript NM_001042492.3 (MANE Select); coding-DNA position 4230, C replaced by T.
Protein change: p.Phe1410=; no amino-acid change (phenylalanine 1410 retained).
Molecular consequence: synonymous variant.
Genome position (GRCh38, 1-based): chr17:31,258,400, C>T. VCF-style: chr17-31258400-C-T. GRCh37 (hg19) VCF-style: chr17-29585418-C-T.
Other names: c.4167C>T, p.Phe1389= (NM_000267.4).
Identifiers: ClinVar variation 186072 (VCV000186072.18), dbSNP rs750213850, ClinGen allele CA193784.